The following is an entry in ClinVar:

ClinVar aggregate classification (germline): Conflicting classifications of pathogenicity. Review status: criteria provided, conflicting classifications (1 of 4 stars). 15 submissions from 15 submitters: Uncertain significance (1); Benign (5); Likely benign (4). 5 of the submissions do not count toward it. Last evaluated 2026-01-28.

Conditions:
Dystrophin deficiency.
Duchenne muscular dystrophy (DMD). Also called: MUSCULAR DYSTROPHY, PSEUDOHYPERTROPHIC PROGRESSIVE, DUCHENNE TYPE; Duchenne Muscular Dystrophy (DMD). Identifiers: Orphanet 98896, MedGen C0013264, MONDO:0010679, OMIM 310200.
Cardiomyopathy (CMYO). Also called: Cardiomyopathies. Identifiers: Orphanet 167848, MedGen C0878544, MONDO:0004994, HP:0001638. Inheritance: Various modes of inheritance.
Becker muscular dystrophy (BMD). Also called: MUSCULAR DYSTROPHY, PSEUDOHYPERTROPHIC PROGRESSIVE, BECKER TYPE; Becker Muscular Dystrophy (BMD). Identifiers: Orphanet 98895, MedGen C0917713, MONDO:0010311, OMIM 300376.
Cardiovascular phenotype. Identifiers: MedGen CN230736.
Dilated cardiomyopathy 3B (CMD3B). Also called: CMD3B: DMD-Related Dilated Cardiomyopathy; CARDIOMYOPATHY, DILATED, X-LINKED; DMD-Associated Dilated Cardiomyopathy. Identifiers: Orphanet 154, MedGen C3668940, MONDO:0010542, OMIM 302045.

Allele frequency attached by ClinVar (database versions not stated): 1000 Genomes Project 30x 0.00021; 1000 Genomes Project 0.00026; TOPMed 0.00033; gnomAD 0.00040 and 0.00041; gnomAD exomes 0.00046 and 0.00050; ESP Exome Variant Server 0.00047; ExAC 0.00053.
gnomAD v4.1: 588 of 1,209,995 alleles (0.049%); highest among the groups gnomAD compares: Non-Finnish European, 0.061%; no homozygotes.

Submissions (15):

Labcorp Genetics (formerly Invitae), Labcorp
Classification: Benign for Duchenne muscular dystrophy. Last evaluated: 2026-01-28. Review status: criteria provided, single submitter. Criteria: Invitae Variant Classification Sherloc (09022015). Collection method: clinical testing. Allele origin: germline.

Molecular Diagnostic Laboratory for Inherited Cardiovascular Disease, Montreal Heart Institute
Classification: Likely benign. Last evaluated: 2025-04-09. Review status: criteria provided, single submitter. Criteria: ACMG Guidelines, 2015. Collection method: clinical testing. Allele origin: germline. Affected: no.

Blueprint Genetics
Classification: Benign. Last evaluated: 2024-11-01. Review status: criteria provided, single submitter. Criteria: ACMG Guidelines, 2015. Collection method: clinical testing. Allele origin: germline.

ARUP Laboratories, Molecular Genetics and Genomics, ARUP Laboratories
Classification: Likely benign. Last evaluated: 2023-11-29. Review status: criteria provided, single submitter. Criteria: ARUP Molecular Germline Variant Investigation Process 2024. Collection method: clinical testing. Allele origin: germline.

CeGaT Center for Human Genetics Tuebingen
Classification: Likely benign. Last evaluated: 2022-12-01. Review status: criteria provided, single submitter. Criteria: CeGaT Center For Human Genetics Tuebingen Variant Classification Criteria Version 2. Collection method: clinical testing. Allele origin: germline. Affected: yes. Observed: 3 variant alleles.
Comment: DMD: BP4, BS2

Illumina Laboratory Services, Illumina
Classification: Uncertain significance for Dilated cardiomyopathy 3B. Last evaluated: 2017-04-28. Review status: criteria provided, single submitter. Criteria: ICSL Variant Classification Criteria 13 December 2019. Collection method: clinical testing. Allele origin: germline.

Ambry Genetics
Classification: Benign for Cardiovascular phenotype. Last evaluated: 2017-04-06. Review status: criteria provided, single submitter. Criteria: Ambry Variant Classification Scheme 2023. Collection method: clinical testing. Allele origin: germline.

Eurofins Ntd Llc (ga)
Classification: Benign. Last evaluated: 2015-11-24. Review status: criteria provided, single submitter. Criteria: EGL Classification Definitions 2015. Collection method: clinical testing. Allele origin: germline. Observed: 7 variant alleles, 5 heterozygotes, 2 hemizygotes.

GeneDx
Classification: Benign. Last evaluated: 2015-11-03. Review status: criteria provided, single submitter. Criteria: GeneDx Variant Classification (06012015). Collection method: clinical testing. Allele origin: germline. Affected: yes.
Comment: This variant is considered likely benign or benign based on one or more of the following criteria: it is a conservative change, it occurs at a poorly conserved position in the protein, it is predicted to be benign by multiple in silico algorithms, and/or has population frequency not consistent with disease.

Laboratory for Molecular Medicine, Mass General Brigham Personalized Medicine
Classification: Likely benign. Last evaluated: 2015-10-15. Review status: criteria provided, single submitter. Criteria: LMM Criteria. Collection method: clinical testing. Allele origin: germline. Observed: 1 variant allele.
Comment: p.Asn830Asn in exon 20 of DMD: This variant is not expected to have clinical sig nificance because it does not alter an amino acid residue and is not located wit hin the splice consensus sequence. It has been identified in 0.1% (40/47244) of European chromosomes including 16 hemizygotes by the Exome Aggregation Consortiu m (ExAC; dbSNP rs72468679).

Natera, Inc.
Classification: Likely benign for Becker muscular dystrophy; Cardiomyopathy; Duchenne muscular dystrophy; Dystrophin deficiency. Last evaluated: 2017-10-16. Review status: no assertion criteria provided. Collection method: clinical testing. Allele origin: germline. Not counted in ClinVar's aggregate classification.

Clinical Genetics DNA and cytogenetics Diagnostics Lab, Erasmus MC, Erasmus Medical Center
Classification: Likely benign. Review status: no assertion criteria provided. Collection method: clinical testing. Allele origin: germline. Affected: yes. Study: VKGL Data-share Consensus. Not counted in ClinVar's aggregate classification.

Diagnostic Laboratory, Department of Genetics, University Medical Center Groningen
Classification: Likely benign. Review status: no assertion criteria provided. Collection method: clinical testing. Allele origin: germline. Affected: yes. Study: VKGL Data-share Consensus. Not counted in ClinVar's aggregate classification.

Genome Diagnostics Laboratory, University Medical Center Utrecht
Classification: Likely benign. Review status: no assertion criteria provided. Collection method: clinical testing. Allele origin: germline. Affected: yes. Study: VKGL Data-share Consensus. Not counted in ClinVar's aggregate classification.

Laboratory of Diagnostic Genome Analysis, Leiden University Medical Center (LUMC)
Classification: Benign. Review status: no assertion criteria provided. Collection method: clinical testing. Allele origin: germline. Affected: yes. Study: VKGL Data-share Consensus. Not counted in ClinVar's aggregate classification.

Literature cited by the submitters: PubMed 19937601 (cited by Laboratory for Molecular Medicine, Mass General Brigham Personalized Medicine).

NM_004006.3(DMD):c.2490C>T (p.Asn830=)

Gene: DMD (dystrophin; minus strand). Cytogenetic location: Xp21.1.
Variant type: single nucleotide variant.
Coding change: c.2490C>T on transcript NM_004006.3 (MANE Select); coding-DNA position 2490, C replaced by T.
Protein change: p.Asn830=; no amino-acid change (asparagine 830 retained).
Molecular consequence: synonymous variant.
Genome position (GRCh38, 1-based): chrX:32,491,409, G>A on the plus strand (C>T on the coding strand, the complement: DMD is on the minus strand). VCF-style: chrX-32491409-G-A. GRCh37 (hg19) VCF-style: chrX-32509526-G-A.
Other names: c.2466C>T, p.Asn822= (NM_000109.4); c.2478C>T, p.Asn826= (NM_004009.3); c.2121C>T, p.Asn707= (NM_004010.3).
Identifiers: ClinVar variation 94516 (VCV000094516.71), dbSNP rs72468679, ClinGen allele CA222321.